The following is an entry in ClinVar:

ClinVar aggregate classification (germline): Likely benign (0 of 4 stars; one submission).

Conditions:
SEMA6B-related disorder. Also called: SEMA6B-related condition.

Submission:

PreventionGenetics, part of Exact Sciences
Classification: Likely benign for SEMA6B-related condition. Last evaluated: 2024-01-25. Review status: no assertion criteria provided. Collection method: clinical testing. Allele origin: germline.
Comment: This variant is classified as likely benign based on ACMG/AMP sequence variant interpretation guidelines (Richards et al. 2015 PMID: 25741868, with internal and published modifications).

NM_032108.4(SEMA6B):c.2115G>T (p.Gly705=)

Gene: SEMA6B (semaphorin 6B; minus strand). Cytogenetic location: 19p13.3.
Variant type: single nucleotide variant.
Coding change: c.2115G>T on transcript NM_032108.4 (MANE Select); coding-DNA position 2115, G replaced by T.
Protein change: p.Gly705=; no amino-acid change (glycine 705 retained).
Molecular consequence: synonymous variant.
Genome position (GRCh38, 1-based): chr19:4,544,153, C>A on the plus strand (G>T on the coding strand, the complement: SEMA6B is on the minus strand). VCF-style: chr19-4544153-C-A. GRCh37 (hg19) VCF-style: chr19-4544165-C-A.
Identifiers: ClinVar variation 3045968 (VCV003045968.2), dbSNP rs2512182634, ClinGen allele CA505171733.
Genomic context (GRCh38, chr19:4,544,153, plus strand): 5'-CGGGTGCGGAGTGGGCAGGCGCTTCTGCGGCAGCGGCGTCTGCTCGGGCGTGGGCAGCAG[C>A]CCCGAGTCCAGGTCGTGGGGCCCGCCCTGCAGCAGCGTGGCCTTGGCCCAGCCGTTCTGC-3'
Protein context (NP_115484.2, residues 695-715): LQGGPHDLDS[Gly705=]LLPTPEQTPL